The following is an entry in ClinVar:

ClinVar aggregate classification (germline): Uncertain significance. Review status: criteria provided, multiple submitters, no conflicts (2 of 4 stars). 2 submissions from 2 submitters: Uncertain significance (2). Last evaluated 2025-04-21.

Conditions:
Inborn genetic diseases. Identifiers: MedGen C0950123, MeSH D030342.

Allele frequency attached by ClinVar (database versions not stated): TOPMed 0.00001; gnomAD exomes 0.00001 and below 0.00001; ExAC 0.00002; gnomAD 0.00001.

Submissions (2):

Ambry Genetics
Classification: Uncertain significance for Inborn genetic diseases. Last evaluated: 2025-04-21. Review status: criteria provided, single submitter. Criteria: Ambry Variant Classification Scheme 2023. Collection method: clinical testing. Allele origin: germline.

Labcorp Genetics (formerly Invitae), Labcorp
Classification: Uncertain significance. Last evaluated: 2022-06-13. Review status: criteria provided, single submitter. Criteria: Invitae Variant Classification Sherloc (09022015). Collection method: clinical testing. Allele origin: germline.
Comment: In summary, the available evidence is currently insufficient to determine the role of this variant in disease. Therefore, it has been classified as a Variant of Uncertain Significance. Algorithms developed to predict the effect of missense changes on protein structure and function are either unavailable or do not agree on the potential impact of this missense change (SIFT: "Tolerated"; PolyPhen-2: "Possibly Damaging"; Align-GVGD: "Class C0"). This variant has not been reported in the literature in individuals affected with FERMT1-related conditions. This variant is present in population databases (rs775535627, gnomAD 0.007%). This sequence change replaces glutamic acid, which is acidic and polar, with lysine, which is basic and polar, at codon 339 of the FERMT1 protein (p.Glu339Lys).

NM_017671.5(FERMT1):c.1015G>A (p.Glu339Lys)

Gene: FERMT1 (FERM domain containing kindlin 1; minus strand). Cytogenetic location: 20p12.3.
Variant type: single nucleotide variant.
Coding change: c.1015G>A on transcript NM_017671.5 (MANE Select); coding-DNA position 1015, G replaced by A.
Protein change: p.Glu339Lys; replaces glutamic acid 339 with lysine.
Molecular consequence: missense variant.
Genome position (GRCh38, 1-based): chr20:6,096,976, C>T on the plus strand (G>A on the coding strand, the complement: FERMT1 is on the minus strand). VCF-style: chr20-6096976-C-T. GRCh37 (hg19) VCF-style: chr20-6077623-C-T.
Other names: c.1015G>A (NM_017671.4); short protein forms E339K.
Identifiers: ClinVar variation 1513713 (VCV001513713.6), dbSNP rs775535627, ClinGen allele CA9758276.